The following is an entry in ClinVar:

NM_001385012.1(NBEA):c.2043G>A (p.Arg681=)

Gene: NBEA (neurobeachin; plus strand). Cytogenetic location: 13q13.3.
Variant type: single nucleotide variant.
Coding change: c.2043G>A on transcript NM_001385012.1 (MANE Select); coding-DNA position 2043, G replaced by A.
Protein change: p.Arg681=; no amino-acid change (arginine 681 retained).
Molecular consequence: synonymous variant.
Genome position (GRCh38, 1-based): chr13:35,117,454, G>A. VCF-style: chr13-35117454-G-A. GRCh37 (hg19) VCF-style: chr13-35691591-G-A.
Other names: c.2043G>A, p.Arg681= (NM_001379245.1, NM_015678.5); c.2043G>A (NM_015678.4).
Identifiers: ClinVar variation 1335129 (VCV001335129.36), dbSNP rs779606894, ClinGen allele CA6946376.

ClinVar aggregate classification (germline): Likely benign. Review status: criteria provided, single submitter (1 of 4 stars). 2 submissions from 2 submitters: Likely benign (1). 1 of the submissions does not count toward it. Last evaluated 2024-02-01.

Conditions:
NBEA-related disorder. Also called: NBEA-related condition.

Allele frequency attached by ClinVar (database versions not stated): gnomAD exomes 0.00005 and 0.00006; ExAC 0.00006; gnomAD 0.00006 and 0.00007; TOPMed 0.00007.
gnomAD v4.1: 78 of 1,381,400 alleles (0.0056%); highest among the groups gnomAD compares: Non-Finnish European, 0.0068%; no homozygotes.

Submissions (2):

CeGaT Center for Human Genetics Tuebingen
Classification: Likely benign. Last evaluated: 2024-02-01. Review status: criteria provided, single submitter. Criteria: CeGaT Center For Human Genetics Tuebingen Variant Classification Criteria Version 2. Collection method: clinical testing. Allele origin: germline. Affected: yes. Observed: 4 variant alleles.
Comment: NBEA: BP4, BP7

PreventionGenetics, part of Exact Sciences
Classification: Likely benign for NBEA-related condition. Last evaluated: 2019-08-29. Review status: no assertion criteria provided. Collection method: clinical testing. Allele origin: germline. Not counted in ClinVar's aggregate classification.
Comment: This variant is classified as likely benign based on ACMG/AMP sequence variant interpretation guidelines (Richards et al. 2015 PMID: 25741868, with internal and published modifications).